The following is an entry in ClinVar:

NM_003504.5(CDC45):c.469C>T (p.Arg157Cys)

Gene: CDC45 (cell division cycle 45; plus strand). Cytogenetic location: 22q11.21.
Variant type: single nucleotide variant.
Coding change: c.469C>T on transcript NM_003504.5 (MANE Select); coding-DNA position 469, C replaced by T.
Protein change: p.Arg157Cys; replaces arginine 157 with cysteine.
Molecular consequence: missense variant. On other transcripts: non-coding transcript variant (1).
Genome position (GRCh38, 1-based): chr22:19,483,988, C>T. VCF-style: chr22-19483988-C-T. GRCh37 (hg19) VCF-style: chr22-19471511-C-T.
Other names: c.469C>T, p.Arg157Cys (NM_001178010.2); c.331C>T, p.Arg111Cys (NM_001178011.2); c.433C>T, p.Arg145Cys (NM_001369291.1); short protein forms R157C, R111C, R145C.
Identifiers: ClinVar variation 253100 (VCV000253100.7), dbSNP rs540217942, ClinGen allele CA10101049.

ClinVar aggregate classification (germline): Conflicting classifications of pathogenicity. Review status: criteria provided, conflicting classifications (1 of 4 stars). 4 submissions from 4 submitters: Likely pathogenic (1); Uncertain significance (2). 1 of the submissions does not count toward it. Last evaluated 2025-09-29.

Conditions:
Meier-Gorlin syndrome 7. Identifiers: Orphanet 2554, MedGen C4310738, MONDO:0014894, OMIM 617063. Disease mechanism: loss of function.

Allele frequency attached by ClinVar (database versions not stated): gnomAD exomes 0.00006 and 0.00007; gnomAD 0.00010 and 0.00009; 1000 Genomes Project 0.00020; 1000 Genomes Project 30x 0.00031; ExAC 0.00007; TOPMed 0.00009.

Submissions (4):

Dasa
Classification: Uncertain significance for Meier-Gorlin syndrome 7. Last evaluated: 2025-09-29. Review status: criteria provided, single submitter. Criteria: DASA Assertion Criteria. Collection method: clinical testing. Allele origin: germline.
Comment: NM_003504.5(CDC45):c.469C>T (p.Arg157Cys) is a missense variant that results in the substitution of arginine with cysteine. This variant has been reported in individuals with CDC45-related disorders (PMID: 27374770). Also, this variant is rare in population databases. The currently available literature and clinical evidence are not sufficient to establish a definitive association between this variant and the reported condition. Therefore, this variant is classified as a variant of uncertain significance.

Labcorp Genetics (formerly Invitae), Labcorp
Classification: Uncertain significance. Last evaluated: 2025-01-13. Review status: criteria provided, single submitter. Criteria: Invitae Variant Classification Sherloc (09022015). Collection method: clinical testing. Allele origin: germline.
Comment: This sequence change replaces arginine, which is basic and polar, with cysteine, which is neutral and slightly polar, at codon 157 of the CDC45 protein (p.Arg157Cys). This variant is present in population databases (rs540217942, gnomAD 0.02%). This missense change has been observed in individual(s) with CDC45-related conditions (PMID: 27374770). ClinVar contains an entry for this variant (Variation ID: 253100). An algorithm developed to predict the effect of missense changes on protein structure and function (PolyPhen-2) suggests that this variant¬†is likely to be tolerated. In summary, the available evidence is currently insufficient to determine the role of this variant in disease. Therefore, it has been classified as a Variant of Uncertain Significance.

SIB Swiss Institute of Bioinformatics
Classification: Likely pathogenic for Meier-Gorlin syndrome 7. Last evaluated: 2018-10-15. Review status: criteria provided, single submitter. Criteria: ACMG Guidelines, 2015. Collection method: curation. Allele origin: unknown.
Comment: This variant is interpreted as Likely Pathogenic, for Meier-Gorlin syndrome 7, autosomal recessive. The following ACMG Tag(s) were applied: PM2 => Absent from controls (or at extremely low frequency if recessive) in Exome Sequencing Project, 1000 Genomes Project, or Exome Aggregation Consortium. PS3 => Well-established functional studies show a deleterious effect (PubMed 27374770).

OMIM
Classification: Pathogenic for MEIER-GORLIN SYNDROME 7. Last evaluated: 2016-10-20. Review status: no assertion criteria provided. Collection method: literature only. Allele origin: germline. Not counted in ClinVar's aggregate classification.

Literature cited by the submitters: PubMed 27374770 (cited by 4 submitters).